The following is an entry in ClinVar:

NM_001145358.2(SIN3A):c.1697A>C (p.Gln566Pro)

Gene: SIN3A (SIN3 transcription regulator family member A; minus strand). Cytogenetic location: 15q24.2.
Variant type: single nucleotide variant.
Coding change: c.1697A>C on transcript NM_001145358.2 (MANE Select); coding-DNA position 1697, A replaced by C.
Protein change: p.Gln566Pro; replaces glutamine 566 with proline.
Molecular consequence: missense variant.
Genome position (GRCh38, 1-based): chr15:75,400,770, T>G on the plus strand (A>C on the coding strand, the complement: SIN3A is on the minus strand). VCF-style: chr15-75400770-T-G. GRCh37 (hg19) VCF-style: chr15-75693111-T-G.
Other names: c.1697A>C, p.Gln566Pro (NM_001145357.2, NM_001437462.1, NM_001437463.1 and 1 more transcripts); short protein forms Q566P.
Identifiers: ClinVar variation 4838478 (VCV004838478.1).

ClinVar aggregate classification (germline): Uncertain significance (1 of 4 stars; one submission).

Conditions:
Inborn genetic diseases. Identifiers: MedGen C0950123, MeSH D030342.

gnomAD v4.1: 2 of 1,614,120 alleles (0.00012%); no homozygotes.

Submission:

Ambry Genetics
Classification: Uncertain significance for Inborn genetic diseases. Last evaluated: 2025-12-22. Review status: criteria provided, single submitter. Criteria: Ambry Variant Classification Scheme 2023. Collection method: clinical testing. Allele origin: germline.
Comment: The c.1697A>C (p.Q566P) alteration is located in exon 11 (coding exon 10) of the SIN3A gene. This alteration results from a A to C substitution at nucleotide position 1697, causing the glutamine (Q) at amino acid position 566 to be replaced by a proline (P). Based on data from gnomAD, the C allele has an overall frequency of <0.001% (1/251410) total alleles studied. The highest observed frequency was <0.001% (/) of alleles. Based on insufficient or conflicting evidence, the clinical significance of this alteration remains unclear.